The following is an entry in ClinVar:

ClinVar aggregate classification (germline): Conflicting classifications of pathogenicity. Review status: criteria provided, conflicting classifications (1 of 4 stars). 4 submissions from 4 submitters: Uncertain significance (3); Likely benign (1). Last evaluated 2026-01-26.

Conditions:
Inborn genetic diseases. Identifiers: MedGen C0950123, MeSH D030342.
Ullrich congenital muscular dystrophy 2 (UCMD2). Identifiers: Orphanet 75840, MedGen C4225314, MONDO:0014654, OMIM 616470.
Bethlem myopathy 2 (BTHLM2). Identifiers: Orphanet 536516, Orphanet 610, MedGen C4225313, MONDO:0034022, OMIM 616471.

Allele frequency attached by ClinVar (database versions not stated): gnomAD exomes 0.00001 and 0.00003; TOPMed 0.00002; ExAC 0.00001; gnomAD 0.00002 and 0.00003.
gnomAD v4.1: 47 of 1,613,574 alleles (0.0029%); highest among the groups gnomAD compares: South Asian, 0.016%; no homozygotes.

Submissions (4):

Labcorp Genetics (formerly Invitae), Labcorp
Classification: Likely benign for Bethlem myopathy 2; Ullrich congenital muscular dystrophy 2. Last evaluated: 2026-01-26. Review status: criteria provided, single submitter. Criteria: Invitae Variant Classification Sherloc (09022015). Collection method: clinical testing. Allele origin: germline.

Women's Health and Genetics/Laboratory Corporation of America, LabCorp
Classification: Uncertain significance. Last evaluated: 2025-07-28. Review status: criteria provided, single submitter. Criteria: LabCorp Variant Classification Summary - May 2015. Collection method: clinical testing. Allele origin: germline.
Comment: Variant summary: COL12A1 c.7472A>G (p.Lys2491Arg) results in a conservative amino acid change in the encoded protein sequence. Algorithms developed to predict the effect of missense changes on protein structure and function are either unavailable or do not agree on the potential impact of this missense change. The variant allele was found at a frequency of 1.2e-05 in 249006 control chromosomes. The available data on variant occurrences in the general population are insufficient to allow any conclusion about variant significance. To our knowledge, no occurrence of c.7472A>G in individuals affected with Ullrich congenital muscular dystrophy 2 and no experimental evidence demonstrating its impact on protein function have been reported. ClinVar contains an entry for this variant (Variation ID: 1299674). Based on the evidence outlined above, the variant was classified as uncertain significance.

Ambry Genetics
Classification: Uncertain significance for Inborn genetic diseases. Last evaluated: 2024-05-14. Review status: criteria provided, single submitter. Criteria: Ambry Variant Classification Scheme 2023. Collection method: clinical testing. Allele origin: germline.

Breda Genetics srl
Classification: Uncertain significance for Bethlem myopathy 2. Last evaluated: 2020-09-22. Review status: criteria provided, single submitter. Criteria: ACMG Guidelines, 2015. Collection method: clinical testing. Allele origin: germline. Affected: yes. Observed: 1 variant allele, 1 homozygote.
Comment: The variant c.7472A>G (p.Lys2491Arg) in the COL12A1 gene is reported with an estimated allele frequency of 0.00001205 in gnomAD exomes, 0.00003184 in gnomAD exomes, and in NHLI Exome Sequencing Project (ESP), with no homozygous individuals reported. The nucleotide position is highly conserved across 35 mammalian species (GERP RS: 5.61). In silico analysis mostly indicates that the variant might be damaging.

NM_004370.6(COL12A1):c.7472A>G (p.Lys2491Arg)

Gene: COL12A1 (collagen type XII alpha 1 chain; minus strand). Cytogenetic location: 6q13.
Variant type: single nucleotide variant.
Coding change: c.7472A>G on transcript NM_004370.6 (MANE Select); coding-DNA position 7472, A replaced by G.
Protein change: p.Lys2491Arg; replaces lysine 2491 with arginine.
Molecular consequence: missense variant.
Genome position (GRCh38, 1-based): chr6:75,117,429, T>C on the plus strand (A>G on the coding strand, the complement: COL12A1 is on the minus strand). VCF-style: chr6-75117429-T-C. GRCh37 (hg19) VCF-style: chr6-75827145-T-C.
Other names: c.7472A>G (NM_004370.5); c.3980A>G, p.Lys1327Arg (NM_080645.3); short protein forms K1327R, K2491R.
Identifiers: ClinVar variation 1299674 (VCV001299674.8), dbSNP rs199633490, ClinGen allele CA3892556.